The following is an entry in ClinVar:

ClinVar aggregate classification (germline): Uncertain significance. Review status: criteria provided, multiple submitters, no conflicts (2 of 4 stars). 4 submissions from 4 submitters: Uncertain significance (4). Last evaluated 2025-08-18.

Conditions:
Cardiovascular phenotype. Identifiers: MedGen CN230736.
Arrhythmogenic right ventricular dysplasia 10. Also called: Arrhythmogenic right ventricular dysplasia/cardiomyopathy, type 10; Arrhythmogenic Right Ventricular Dysplasia/Cardiomyopathy10; ARRHYTHMOGENIC RIGHT VENTRICULAR DYSPLASIA, FAMILIAL, 10. Identifiers: MedGen C1857777, MONDO:0012434, OMIM 610193.
Dilated cardiomyopathy 1BB (CMD1BB). Also called: CARDIOMYOPATHY, DILATED, 1BB, SUSCEPTIBILITY TO. Identifiers: Orphanet 154, MedGen C2752072, MONDO:0013030, OMIM 612877.
Arrhythmogenic right ventricular cardiomyopathy (ARVD). Also called: Arrhythmogenic cardiomyopathy; Arrhythmogenic Right Ventricular Cardiomyopathy (ARVC); Cardiomyopathy, ARVC; Arrhythmogenic right ventricular dysplasia. Identifiers: Orphanet 247, MedGen C0349788, MeSH D019571, MONDO:0016587. Disease mechanism: loss of function. Inheritance: Various modes of inheritance.

Allele frequency attached by ClinVar (database versions not stated): gnomAD exomes 0.00001; ExAC 0.00002; gnomAD 0.00002; TOPMed 0.00003.
gnomAD v4.1: 7 of 1,614,110 alleles (0.00043%); highest among the groups gnomAD compares: African/African-American, 0.008%; no homozygotes.

Submissions (4):

Labcorp Genetics (formerly Invitae), Labcorp
Classification: Uncertain significance for Arrhythmogenic right ventricular dysplasia 10. Last evaluated: 2025-08-18. Review status: criteria provided, single submitter. Criteria: Invitae Variant Classification Sherloc (09022015). Collection method: clinical testing. Allele origin: germline.
Comment: This sequence change replaces aspartic acid, which is acidic and polar, with valine, which is neutral and non-polar, at codon 326 of the DSG2 protein (p.Asp326Val). This variant is present in population databases (rs769699241, gnomAD 0.01%). This missense change has been observed in individual(s) with clinical features of DSG2-related conditions (PMID: 20400443, 35819174). ClinVar contains an entry for this variant (Variation ID: 518781). Invitae Evidence Modeling of protein sequence and biophysical properties (such as structural, functional, and spatial information, amino acid conservation, physicochemical variation, residue mobility, and thermodynamic stability) has been performed for this missense variant. However, the output from this modeling did not meet the statistical confidence thresholds required to predict the impact of this variant on DSG2 protein function. In summary, the available evidence is currently insufficient to determine the role of this variant in disease. Therefore, it has been classified as a Variant of Uncertain Significance.

All of Us Research Program, National Institutes of Health
Classification: Uncertain significance for Arrhythmogenic right ventricular cardiomyopathy. Last evaluated: 2024-06-09. Review status: criteria provided, single submitter. Criteria: ACMG Guidelines, 2015. Collection method: clinical testing. Allele origin: germline. Inheritance: Autosomal dominant inheritance. Observed: 6 variant alleles, 6 heterozygotes.
Comment: This missense variant replaces aspartic acid with valine at codon 326 of the DSG2 protein. Computational prediction suggests that this variant may have deleterious impact on protein structure and function (internally defined REVEL score threshold >= 0.7, PMID: 27666373). To our knowledge, functional studies have not been reported for this variant. This variant has been reported in an individual affected with arrhythmogenic right ventricular cardiomyopathy, who also carried a pathogenic truncation variant in the PKP2 gene that could explain the observed phenotype (PMID: 20400443). This variant has been identified in 3/280844 chromosomes in the general population by the Genome Aggregation Database (gnomAD). The available evidence is insufficient to determine the role of this variant in disease conclusively. Therefore, this variant is classified as a Variant of Uncertain Significance.

This study involves interpretation of variants in research participants for the purpose of population health screening. Participant phenotype was not available at the time of variant classification. Additional details can be found in publication PMID: 35346344, PMCID: PMC8962531

Fulgent Genetics
Classification: Uncertain significance for Arrhythmogenic right ventricular dysplasia 10; Dilated cardiomyopathy 1BB. Last evaluated: 2021-08-17. Review status: criteria provided, single submitter. Criteria: ACMG Guidelines, 2015. Collection method: clinical testing. Allele origin: unknown.

Ambry Genetics
Classification: Uncertain significance for Cardiovascular phenotype. Last evaluated: 2016-03-30. Review status: criteria provided, single submitter. Criteria: Ambry Variant Classification Scheme 2023. Collection method: clinical testing. Allele origin: germline.
Comment: The p.D326V variant (also known as c.977A>T), located in coding exon 8 of the DSG2 gene, results from an A to T substitution at nucleotide position 977. The aspartic acid at codon 326 is replaced by valine, an amino acid with highly dissimilar properties. This variant was detected in a patient reported to have arrhythmogenic right ventricular dysplasia/cardiomyopathy, who also had a nonsense alteration in the PKP2 gene (Fressart V et al. Europace. 2010;12(6):861-8). Based on data from ExAC, the T allele was reported in 2 of 120684 (0.001%) total alleles (Exome Aggregation Consortium (ExAC), Cambridge, MA (URL) [Accessed March 21, 2016]). This variant was not reported in population based cohorts in the following databases: Database of Single Nucleotide Polymorphisms (dbSNP), NHLBI Exome Sequencing Project (ESP), and 1000 Genomes Project. In the ESP, this variant was not observed in 5971 samples (11942 alleles) with coverage at this position. This amino acid position is highly conserved in available vertebrate species. In addition, this alteration is predicted to be deleterious by in silico analysis. Since supporting evidence is limited at this time, the clinical significance of this variant remains unclear.

Literature cited by the submitters: PubMed 20400443 (cited by 3 submitters); PubMed 35819174 (cited by Labcorp Genetics (formerly Invitae), Labcorp).

NM_001943.5(DSG2):c.977A>T (p.Asp326Val)

Gene: DSG2 (desmoglein 2; plus strand). Cytogenetic location: 18q12.1.
Variant type: single nucleotide variant.
Coding change: c.977A>T on transcript NM_001943.5 (MANE Select); coding-DNA position 977, A replaced by T.
Protein change: p.Asp326Val; replaces aspartic acid 326 with valine.
Molecular consequence: missense variant.
Genome position (GRCh38, 1-based): chr18:31,524,851, A>T. VCF-style: chr18-31524851-A-T. GRCh37 (hg19) VCF-style: chr18-29104814-A-T.
Other names: c.977A>T (LRG_397t1); short protein forms D326V.
Identifiers: ClinVar variation 518781 (VCV000518781.15), dbSNP rs769699241, ClinGen allele CA050574.